The following is an entry in ClinVar:

NM_001257180.2(SLC20A2):c.596T>C (p.Met199Thr)

Gene: SLC20A2 (solute carrier family 20 member 2; minus strand). Cytogenetic location: 8p11.21.
Variant type: single nucleotide variant.
Coding change: c.596T>C on transcript NM_001257180.2 (MANE Select); coding-DNA position 596, T replaced by C.
Protein change: p.Met199Thr; replaces methionine 199 with threonine.
Molecular consequence: missense variant.
Genome position (GRCh38, 1-based): chr8:42,459,913, A>G on the plus strand (T>C on the coding strand, the complement: SLC20A2 is on the minus strand). VCF-style: chr8-42459913-A-G. GRCh37 (hg19) VCF-style: chr8-42317431-A-G.
Other names: c.596T>C, p.Met199Thr (NM_001257181.2, NM_006749.5); c.596T>C (NM_006749.3); short protein forms M199T.
Identifiers: ClinVar variation 1521479 (VCV001521479.9), dbSNP rs147501705, ClinGen allele CA4733527.
Genomic context (GRCh38, chr8:42,459,913, plus strand): 5'-CAATGCACTTTGCCCCTGGAGTATGCTTCCAAGGGATCCTTACCTGGTGCTCCTGTGTAC[A>G]TGATGGAAAAGACATTGATTGCTATGGTAGCAGCATAGAATACTGGGAGTGCCCGGAGGC-3'
Protein context (NP_001244109.1, residues 189-209): ATIAINVFSI[Met199Thr]YTGAPVLGLV

ClinVar aggregate classification (germline): Uncertain significance. Review status: criteria provided, multiple submitters, no conflicts (2 of 4 stars). 2 submissions from 2 submitters: Uncertain significance (2). Last evaluated 2025-10-30.

Conditions:
Inborn genetic diseases. Identifiers: MedGen C0950123, MeSH D030342.

Allele frequency attached by ClinVar (database versions not stated): gnomAD 0.00001; gnomAD exomes 0.00001 and 0.00002; ExAC 0.00002; ESP Exome Variant Server 0.00008.

Submissions (2):

Ambry Genetics
Classification: Uncertain significance for Inborn genetic diseases. Last evaluated: 2025-10-30. Review status: criteria provided, single submitter. Criteria: Ambry Variant Classification Scheme 2023. Collection method: clinical testing. Allele origin: germline.
Comment: The c.596T>C (p.M199T) alteration is located in exon 5 (coding exon 4) of the SLC20A2 gene. This alteration results from a T to C substitution at nucleotide position 596, causing the methionine (M) at amino acid position 199 to be replaced by a threonine (T). Based on data from gnomAD, the C allele has an overall frequency of 0.001% (3/250646) total alleles studied. The highest observed frequency was 0.006% (1/16152) of African alleles. Based on insufficient or conflicting evidence, the clinical significance of this alteration remains unclear.

Labcorp Genetics (formerly Invitae), Labcorp
Classification: Uncertain significance. Last evaluated: 2020-11-02. Review status: criteria provided, single submitter. Criteria: Invitae Variant Classification Sherloc (09022015). Collection method: clinical testing. Allele origin: germline.
Comment: In summary, the available evidence is currently insufficient to determine the role of this variant in disease. Therefore, it has been classified as a Variant of Uncertain Significance. Algorithms developed to predict the effect of missense changes on protein structure and function (SIFT, PolyPhen-2, Align-GVGD) all suggest that this variant is likely to be disruptive, but these predictions have not been confirmed by published functional studies and their clinical significance is uncertain. This variant has not been reported in the literature in individuals with SLC20A2-related conditions. This variant is present in population databases (rs147501705, ExAC 0.01%). This sequence change replaces methionine with threonine at codon 199 of the SLC20A2 protein (p.Met199Thr). The methionine residue is moderately conserved and there is a moderate physicochemical difference between methionine and threonine.